The following is an entry in ClinVar:

ClinVar aggregate classification (germline): Uncertain significance (1 of 4 stars; one submission).

gnomAD v4.1: 1 of 1,610,232 alleles (0.000062%); highest among the groups gnomAD compares: Non-Finnish European, 0.000085%; no homozygotes.

Submission:

Labcorp Genetics (formerly Invitae), Labcorp
Classification: Uncertain significance. Last evaluated: 2024-09-09. Review status: criteria provided, single submitter. Criteria: Invitae Variant Classification Sherloc (09022015). Collection method: clinical testing. Allele origin: germline.
Comment: This sequence change replaces threonine, which is neutral and polar, with isoleucine, which is neutral and non-polar, at codon 496 of the TNNI3K protein (p.Thr496Ile). This variant is not present in population databases (gnomAD no frequency). This variant has not been reported in the literature in individuals affected with TNNI3K-related conditions. ClinVar contains an entry for this variant (Variation ID: 1998658). Invitae Evidence Modeling of protein sequence and biophysical properties (such as structural, functional, and spatial information, amino acid conservation, physicochemical variation, residue mobility, and thermodynamic stability) indicates that this missense variant is not expected to disrupt TNNI3K protein function with a negative predictive value of 80%. In summary, the available evidence is currently insufficient to determine the role of this variant in disease. Therefore, it has been classified as a Variant of Uncertain Significance.

NM_015978.3(TNNI3K):c.1487C>T (p.Thr496Ile)

Genes: FPGT-TNNI3K (FPGT-TNNI3K readthrough; plus strand), TNNI3K (TNNI3 interacting kinase; plus strand). Cytogenetic location: 1p31.1.
Variant type: single nucleotide variant.
Coding change: c.1487C>T on transcript NM_015978.3 (MANE Select); coding-DNA position 1487, C replaced by T.
Protein change: p.Thr496Ile; replaces threonine 496 with isoleucine.
Molecular consequence: missense variant.
Genome position (GRCh38, 1-based): chr1:74,369,405, C>T. VCF-style: chr1-74369405-C-T. GRCh37 (hg19) VCF-style: chr1-74835089-C-T.
Other names: c.1790C>T, p.Thr597Ile (NM_001112808.3, NM_001199327.2); short protein forms T496I, T597I.
Identifiers: ClinVar variation 1998658 (VCV001998658.4), dbSNP rs200683757, ClinGen allele CA340786078.